The following is an entry in ClinVar:

NM_001042492.3(NF1):c.1576A>T (p.Ile526Phe)

Gene: NF1 (neurofibromin 1; plus strand). Cytogenetic location: 17q11.2.
Variant type: single nucleotide variant.
Coding change: c.1576A>T on transcript NM_001042492.3 (MANE Select); coding-DNA position 1576, A replaced by T.
Protein change: p.Ile526Phe; replaces isoleucine 526 with phenylalanine.
Molecular consequence: missense variant.
Genome position (GRCh38, 1-based): chr17:31,219,053, A>T. VCF-style: chr17-31219053-A-T. GRCh37 (hg19) VCF-style: chr17-29546071-A-T.
Other names: c.1576A>T, p.Ile526Phe (NM_000267.4, NM_001128147.3); short protein forms I526F.
Identifiers: ClinVar variation 4119105 (VCV004119105.1).

ClinVar aggregate classification (germline): Uncertain significance (1 of 4 stars; one submission).

Conditions:
Cardiovascular phenotype. Identifiers: MedGen CN230736.
Hereditary cancer-predisposing syndrome. Also called: Hereditary neoplastic syndrome; Neoplastic Syndromes, Hereditary; Tumor predisposition; Hereditary Cancer Syndrome. Identifiers: Orphanet 140162, MedGen C0027672, MeSH D009386, MONDO:0015356.

Submission:

Ambry Genetics
Classification: Uncertain significance for Cardiovascular phenotype; Hereditary cancer-predisposing syndrome. Last evaluated: 2025-07-16. Review status: criteria provided, single submitter. Criteria: Ambry Variant Classification Scheme 2023. Collection method: clinical testing. Allele origin: germline.
Comment: The p.I526F variant (also known as c.1576A>T), located in coding exon 14 of the NF1 gene, results from an A to T substitution at nucleotide position 1576. The isoleucine at codon 526 is replaced by phenylalanine, an amino acid with highly similar properties. This amino acid position is conserved. In addition, this alteration is predicted to be deleterious by in silico analysis. Based on the available evidence, the clinical significance of this variant remains unclear.